The following is an entry in ClinVar:

NM_001276270.2(MBD4):c.1281A>G (p.Lys427=)

Gene: MBD4 (methyl-CpG binding domain 4, DNA glycosylase; minus strand). Cytogenetic location: 3q21.3.
Variant type: single nucleotide variant.
Coding change: c.1281A>G on transcript NM_001276270.2 (MANE Select); coding-DNA position 1281, A replaced by G.
Protein change: p.Lys427=; no amino-acid change (lysine 427 retained).
Molecular consequence: synonymous variant.
Genome position (GRCh38, 1-based): chr3:129,433,962, T>C on the plus strand (A>G on the coding strand, the complement: MBD4 is on the minus strand). VCF-style: chr3-129433962-T-C. GRCh37 (hg19) VCF-style: chr3-129152805-T-C.
Other names: c.1299A>G, p.Lys433= (NM_001276271.2, NM_001276272.2, NM_003925.3); c.345A>G, p.Lys115= (NM_001276273.2); c.1299A>G (NM_003925.2).
Identifiers: ClinVar variation 2713026 (VCV002713026.5), dbSNP rs376663356, ClinGen allele CA2605332.

ClinVar aggregate classification (germline): Likely benign. Review status: criteria provided, multiple submitters, no conflicts (2 of 4 stars). 3 submissions from 3 submitters: Likely benign (3). Last evaluated 2026-09-04.

Conditions:
MBD4-related disorder. Also called: MBD4-related condition.
Inborn genetic diseases. Identifiers: MedGen C0950123, MeSH D030342.

Allele frequency attached by ClinVar (database versions not stated): gnomAD exomes 0.00001; ExAC 0.00002; TOPMed 0.00003; gnomAD 0.00005.
gnomAD v4.1: 25 of 1,614,090 alleles (0.0015%); highest among the groups gnomAD compares: East Asian, 0.053%; no homozygotes.

Submissions (3):

PreventionGenetics, part of Exact Sciences
Classification: Likely benign for MBD4-related condition. Last evaluated: 2026-09-04. Review status: criteria provided, single submitter. Criteria: ACMG Guidelines, 2015. Collection method: clinical testing. Allele origin: germline.
Comment: This variant is classified as likely benign based on ACMG/AMP sequence variant interpretation guidelines (Richards et al. 2015 PMID: 25741868, with internal and published modifications).

Labcorp Genetics (formerly Invitae), Labcorp
Classification: Likely benign. Last evaluated: 2026-01-26. Review status: criteria provided, single submitter. Criteria: Invitae Variant Classification Sherloc (09022015). Collection method: clinical testing. Allele origin: germline.

Ambry Genetics
Classification: Likely benign for Inborn genetic diseases. Last evaluated: 2025-03-14. Review status: criteria provided, single submitter. Criteria: Ambry Variant Classification Scheme 2023. Collection method: clinical testing. Allele origin: germline.